The following is an entry in ClinVar:

NM_021831.6(AGBL5):c.1739T>C (p.Leu580Pro)

Gene: AGBL5 (AGBL carboxypeptidase 5; plus strand). Cytogenetic location: 2p23.3.
Variant type: single nucleotide variant.
Coding change: c.1739T>C on transcript NM_021831.6 (MANE Select); coding-DNA position 1739, T replaced by C.
Protein change: p.Leu580Pro; replaces leucine 580 with proline.
Molecular consequence: missense variant. On other transcripts: non-coding transcript variant (2).
Genome position (GRCh38, 1-based): chr2:27,058,467, T>C. VCF-style: chr2-27058467-T-C. GRCh37 (hg19) VCF-style: chr2-27281335-T-C.
Other names: c.1739T>C, p.Leu580Pro (NM_001035506.1, NM_001035507.3); c.1739T>C (NM_021831.5); short protein forms L580P.
Identifiers: ClinVar variation 2104859 (VCV002104859.6), dbSNP rs751972761, ClinGen allele CA1567954.

ClinVar aggregate classification (germline): Uncertain significance. Review status: criteria provided, multiple submitters, no conflicts (2 of 4 stars). 3 submissions from 3 submitters: Uncertain significance (3). Last evaluated 2025-04-14.

Conditions:
Inborn genetic diseases. Identifiers: MedGen C0950123, MeSH D030342.

Allele frequency attached by ClinVar (database versions not stated): TOPMed below 0.00001.
gnomAD v4.1: 6 of 1,613,998 alleles (0.00037%); highest among the groups gnomAD compares: Non-Finnish European, 0.00042%; no homozygotes.

Submissions (3):

Ambry Genetics
Classification: Uncertain significance for Inborn genetic diseases. Last evaluated: 2025-04-14. Review status: criteria provided, single submitter. Criteria: Ambry Variant Classification Scheme 2023. Collection method: clinical testing. Allele origin: germline.

Blueprint Genetics
Classification: Uncertain significance. Last evaluated: 2024-09-23. Review status: criteria provided, single submitter. Criteria: ACMG Guidelines, 2015. Collection method: clinical testing. Allele origin: germline.

Labcorp Genetics (formerly Invitae), Labcorp
Classification: Uncertain significance. Last evaluated: 2023-05-08. Review status: criteria provided, single submitter. Criteria: Invitae Variant Classification Sherloc (09022015). Collection method: clinical testing. Allele origin: germline.
Comment: In summary, the available evidence is currently insufficient to determine the role of this variant in disease. Therefore, it has been classified as a Variant of Uncertain Significance. An algorithm developed to predict the effect of missense changes on protein structure and function (PolyPhen-2) suggests that this variant is likely to be tolerated. ClinVar contains an entry for this variant (Variation ID: 2104859). This variant has not been reported in the literature in individuals affected with AGBL5-related conditions. This variant is present in population databases (rs751972761, gnomAD 0.003%). This sequence change replaces leucine, which is neutral and non-polar, with proline, which is neutral and non-polar, at codon 580 of the AGBL5 protein (p.Leu580Pro).